The following is an entry in ClinVar:

NM_020366.4(RPGRIP1):c.668G>C (p.Ser223Thr)

Gene: RPGRIP1 (RPGR interacting protein 1; plus strand). Cytogenetic location: 14q11.2.
Variant type: single nucleotide variant.
Coding change: c.668G>C on transcript NM_020366.4 (MANE Select); coding-DNA position 668, G replaced by C.
Protein change: p.Ser223Thr; replaces serine 223 with threonine.
Molecular consequence: missense variant.
Genome position (GRCh38, 1-based): chr14:21,303,411, G>C. VCF-style: chr14-21303411-G-C. GRCh37 (hg19) VCF-style: chr14-21771570-G-C.
Other names: short protein forms S223T.
Identifiers: ClinVar variation 1428876 (VCV001428876.6), dbSNP rs2139160510, ClinGen allele CA388860627.
Genomic context (GRCh38, chr14:21,303,411, plus strand): 5'-TAATTTCTTTCAGCAGTGTCATAAGTATGGCTAAACCCATTGGTCTATGCATGCCTAACA[G>C]TGCCCACATCATGGCCAGCAATACCATGCAAGTGGAAGAGCCACCCAAGTCTCCTGAGAA-3'
Protein context (NP_065099.3, residues 213-233): AKPIGLCMPN[Ser223Thr]AHIMASNTMQ

ClinVar aggregate classification (germline): Uncertain significance (1 of 4 stars; one submission).

Conditions:
Leber congenital amaurosis 6 (LCA6). Identifiers: Orphanet 65, MedGen C1854260, MONDO:0013446, OMIM 613826.
Cone-rod dystrophy 13 (CORD13). Identifiers: Orphanet 1872, MedGen C2750720, MONDO:0011987, OMIM 608194.

Submission:

Labcorp Genetics (formerly Invitae), Labcorp
Classification: Uncertain significance for Leber congenital amaurosis 6; Cone-rod dystrophy 13. Last evaluated: 2022-08-16. Review status: criteria provided, single submitter. Criteria: Invitae Variant Classification Sherloc (09022015). Collection method: clinical testing. Allele origin: germline.
Comment: In summary, the available evidence is currently insufficient to determine the role of this variant in disease. Therefore, it has been classified as a Variant of Uncertain Significance. Algorithms developed to predict the effect of sequence changes on RNA splicing suggest that this variant may disrupt the consensus splice site. Algorithms developed to predict the effect of missense changes on protein structure and function (SIFT, PolyPhen-2, Align-GVGD) all suggest that this variant is likely to be tolerated. ClinVar contains an entry for this variant (Variation ID: 1428876). This variant has not been reported in the literature in individuals affected with RPGRIP1-related conditions. This variant is not present in population databases (gnomAD no frequency). This sequence change replaces serine, which is neutral and polar, with threonine, which is neutral and polar, at codon 223 of the RPGRIP1 protein (p.Ser223Thr).